The following is an entry in ClinVar:

NM_007315.4(STAT1):c.2238+8C>T

Gene: STAT1 (signal transducer and activator of transcription 1; minus strand). Cytogenetic location: 2q32.2.
Variant type: single nucleotide variant.
Coding change: c.2238+8C>T on transcript NM_007315.4 (MANE Select); 8 bases into the intron after coding-DNA position 2238, C replaced by T.
Molecular consequence: intron variant.
Genome position (GRCh38, 1-based): chr2:190,974,822, G>A on the plus strand (C>T on the coding strand, the complement: STAT1 is on the minus strand). VCF-style: chr2-190974822-G-A. GRCh37 (hg19) VCF-style: chr2-191839548-G-A.
Identifiers: ClinVar variation 796060 (VCV000796060.11), dbSNP rs1220211002, ClinGen allele CA915942276.

ClinVar aggregate classification (germline): Likely benign. Review status: criteria provided, single submitter (1 of 4 stars). 2 submissions from 2 submitters: Likely benign (1). 1 of the submissions does not count toward it. Last evaluated 2025-09-02.

Conditions:
Mendelian susceptibility to mycobacterial diseases due to partial STAT1 deficiency. Also called: Immunodeficiency 31a; IMMUNODEFICIENCY 31A, MYCOBACTERIOSIS, AUTOSOMAL DOMINANT; STAT1 DEFICIENCY, AUTOSOMAL DOMINANT. Identifiers: Orphanet 319595, MedGen C4013950, MONDO:0013956, OMIM 614892.
Immunodeficiency 31B. Also called: IMMUNODEFICIENCY 31B, MYCOBACTERIAL AND VIRAL INFECTIONS, AUTOSOMAL RECESSIVE; STAT1 DEFICIENCY, AUTOSOMAL RECESSIVE. Identifiers: Orphanet 391311, MedGen C3151088, MONDO:0013427, OMIM 613796.
Autoimmune enteropathy and endocrinopathy - susceptibility to chronic infections syndrome. Also called: Immunodeficiency 31C, autosomal dominant; Immunodeficiency 31C. Identifiers: Orphanet 391487, MedGen C3279990, MONDO:0013599, OMIM 614162.
STAT1-related disorder. Also called: STAT1-related condition.

Submissions (2):

Labcorp Genetics (formerly Invitae), Labcorp
Classification: Likely benign for Mendelian susceptibility to mycobacterial diseases due to partial STAT1 deficiency; Immunodeficiency 31B; Autoimmune enteropathy and endocrinopathy - susceptibility to chronic infections syndrome. Last evaluated: 2025-09-02. Review status: criteria provided, single submitter. Criteria: Invitae Variant Classification Sherloc (09022015). Collection method: clinical testing. Allele origin: germline.

PreventionGenetics, part of Exact Sciences
Classification: Likely benign for STAT1-related condition. Last evaluated: 2023-12-27. Review status: no assertion criteria provided. Collection method: clinical testing. Allele origin: germline. Not counted in ClinVar's aggregate classification.
Comment: This variant is classified as likely benign based on ACMG/AMP sequence variant interpretation guidelines (Richards et al. 2015 PMID: 25741868, with internal and published modifications).